The following is an entry in ClinVar:

NM_025137.4(SPG11):c.4300A>G (p.Ser1434Gly)

Genes: SPG11 (SPG11 vesicle trafficking associated, spatacsin; minus strand), LOC130056973 (ATAC-STARR-seq lymphoblastoid active region 9341; plus strand). Cytogenetic location: 15q21.1.
Variant type: single nucleotide variant.
Coding change: c.4300A>G on transcript NM_025137.4 (MANE Select); coding-DNA position 4300, A replaced by G.
Protein change: p.Ser1434Gly; replaces serine 1434 with glycine.
Molecular consequence: missense variant.
Genome position (GRCh38, 1-based): chr15:44,596,217, T>C on the plus strand (A>G on the coding strand, the complement: SPG11 is on the minus strand). VCF-style: chr15-44596217-T-C. GRCh37 (hg19) VCF-style: chr15-44888415-T-C.
Other names: c.4300A>G, p.Ser1434Gly (NM_001160227.2, NM_001411132.1); short protein forms S1434G.
Identifiers: ClinVar variation 1739555 (VCV001739555.2), dbSNP rs769575266, ClinGen allele CA7534710.

ClinVar aggregate classification (germline): Uncertain significance (1 of 4 stars; one submission).

Conditions:
Inborn genetic diseases. Identifiers: MedGen C0950123, MeSH D030342.

Allele frequency attached by ClinVar (database versions not stated): ExAC 0.00001; gnomAD 0.00001; gnomAD exomes 0.00001; TOPMed 0.00001.
gnomAD v4.1: 4 of 1,614,068 alleles (0.00025%); highest among the groups gnomAD compares: South Asian, 0.0022%; no homozygotes.

Submission:

Ambry Genetics
Classification: Uncertain significance for Inborn genetic diseases. Last evaluated: 2020-04-17. Review status: criteria provided, single submitter. Criteria: Ambry Variant Classification Scheme 2023. Collection method: clinical testing. Allele origin: germline.
Comment: The p.S1434G variant (also known as c.4300A>G), located in coding exon 25 of the SPG11 gene, results from an A to G substitution at nucleotide position 4300. The serine at codon 1434 is replaced by glycine, an amino acid with similar properties. This amino acid position is poorly conserved in available vertebrate species. In addition, this alteration is predicted to be tolerated by in silico analysis. Since supporting evidence is limited at this time, the clinical significance of this alteration remains unclear.